The following is an entry in ClinVar:

ClinVar aggregate classification (germline): Uncertain significance (1 of 4 stars; one submission).

Allele frequency attached by ClinVar (database versions not stated): gnomAD 0.00001.
gnomAD v4.1: 1 of 1,491,844 alleles (0.000067%); highest among the groups gnomAD compares: Admixed American, 0.0023%; no homozygotes.

Submission:

Ambry Genetics
Classification: Uncertain significance. Last evaluated: 2024-03-11. Review status: criteria provided, single submitter. Criteria: Ambry Variant Classification Scheme 2023. Collection method: clinical testing. Allele origin: germline.
Comment: The p.S875F variant (also known as c.2624C>T), located in coding exon 24 of the PRKDC gene, results from a C to T substitution at nucleotide position 2624. The serine at codon 875 is replaced by phenylalanine, an amino acid with highly dissimilar properties. This amino acid position is conserved. In addition, this alteration is predicted to be tolerated by in silico analysis. Based on the available evidence, the clinical significance of this alteration remains unclear.

NM_006904.7(PRKDC):c.2624C>T (p.Ser875Phe)

Gene: PRKDC (protein kinase, DNA-activated, catalytic subunit; minus strand). Cytogenetic location: 8q11.21.
Variant type: single nucleotide variant.
Coding change: c.2624C>T on transcript NM_006904.7 (MANE Select); coding-DNA position 2624, C replaced by T.
Protein change: p.Ser875Phe; replaces serine 875 with phenylalanine.
Molecular consequence: missense variant.
Genome position (GRCh38, 1-based): chr8:47,914,058, G>A on the plus strand (C>T on the coding strand, the complement: PRKDC is on the minus strand). VCF-style: chr8-47914058-G-A. GRCh37 (hg19) VCF-style: chr8-48826618-G-A.
Other names: c.2624C>T, p.Ser875Phe (NM_001081640.2); short protein forms S875F.
Identifiers: ClinVar variation 3225804 (VCV003225804.1), dbSNP rs2089950718, ClinGen allele CA371159641.
Genomic context (GRCh38, chr8:47,914,058, plus strand): 5'-GCAAAGCTCAGCCGCTTCTCTCTGTCCCAGGCCACATAGCTCTTCATCATCTCATCTGAG[G>A]ACGTGACTGTTAGAAAAGATTTAAGAAGAATGAAACACTTTTTTTCTTTTTATTAGTGTC-3'
Protein context (NP_008835.5, residues 865-885): QINKNLLTVT[Ser875Phe]SDEMMKSYVA